The following is an entry in ClinVar:

NM_000419.5(ITGA2B):c.1768del (p.Arg590fs)

Gene: ITGA2B (integrin subunit alpha 2b; minus strand). Cytogenetic location: 17q21.31.
Variant type: Deletion.
Coding change: c.1768del on transcript NM_000419.5 (MANE Select); coding-DNA position 1768, one base deleted (C; older notation c.1768delC).
Protein change: p.Arg590fs; shifts the reading frame from arginine 590.
Molecular consequence: frameshift variant.
Genome position (GRCh38, 1-based): chr17:44,379,799, G deleted on the plus strand (C on the coding strand, the reverse complement: ITGA2B is on the minus strand); the first of 2 consecutive G bases (chr17:44,379,799-44,379,800); deleting either gives the same sequence. VCF-style (leftmost placement, unchanged base first): chr17-44379798-CG-C. GRCh37 (hg19) VCF-style: chr17-42457166-CG-C.
Other names: short protein forms R590fs.
Identifiers: ClinVar variation 4992107 (VCV004992107.1).

ClinVar aggregate classification (germline): Likely pathogenic (1 of 4 stars; one submission).

Conditions:
ITGA2B-related disorder. Also called: ITGA2B-related disorders; ITGA2B-related condition.

Submission:

PreventionGenetics, part of Exact Sciences
Classification: Likely pathogenic for ITGA2B-related condition. Last evaluated: 2026-08-28. Review status: criteria provided, single submitter. Criteria: ACMG Guidelines, 2015. Collection method: clinical testing. Allele origin: germline.
Comment: The ITGA2B c.1768delC variant is predicted to result in a frameshift and premature protein termination (p.Arg590Glyfs*4). To our knowledge, this variant has not been reported in the literature or in a large population database (gnomAD), indicating this variant is rare. Frameshift variants in ITGA2B are expected to be pathogenic. This variant is interpreted as likely pathogenic.